The following is an entry in ClinVar:

ClinVar aggregate classification (germline): Conflicting classifications of pathogenicity. Review status: criteria provided, conflicting classifications (1 of 4 stars). 8 submissions from 6 submitters: Uncertain significance (5); Likely benign (2). 1 of the submissions does not count toward it. Last evaluated 2024-01-25.

Conditions:
Acute febrile neutrophilic dermatosis (AFND). Also called: Sweet Syndrome; Gomm Button disease. Identifiers: Orphanet 3243, MedGen C0085077, MONDO:0011959, OMIM 608068.
Familial Mediterranean fever (FMF). Also called: POLYSEROSITIS, FAMILIAL PAROXYSMAL; POLYSEROSITIS, RECURRENT; Periodic peritonitis; Benign paroxysmal peritonitis. Identifiers: Orphanet 342, MedGen C0031069, MONDO:0018088, OMIM 249100. Disease mechanism: gain of function.
Familial Mediterranean fever, autosomal dominant. Also called: Dominant Familial Mediterranean Fever; FMF, AUTOSOMAL DOMINANT. Identifiers: Orphanet 342, MedGen C1851347, MONDO:0007601, OMIM 134610.

Allele frequency attached by ClinVar (database versions not stated): ExAC 0.00002.
gnomAD v4.1: 12 of 1,614,080 alleles (0.00074%); highest among the groups gnomAD compares: Admixed American, 0.01%; no homozygotes.

Submissions (8):

Fulgent Genetics
Classification: Uncertain significance for Familial Mediterranean fever, autosomal dominant; Familial Mediterranean fever; Acute febrile neutrophilic dermatosis. Last evaluated: 2024-01-25. Review status: criteria provided, single submitter. Criteria: ACMG Guidelines, 2015. Collection method: clinical testing. Allele origin: germline.

Genome-Nilou Lab
Classification: Uncertain significance for Familial Mediterranean fever. Last evaluated: 2023-02-08. Review status: criteria provided, single submitter. Criteria: ACMG Guidelines, 2015. Collection method: clinical testing. Allele origin: germline.

Genome-Nilou Lab
Classification: Likely benign for Familial Mediterranean fever, autosomal dominant. Last evaluated: 2023-02-08. Review status: criteria provided, single submitter. Criteria: ACMG Guidelines, 2015. Collection method: clinical testing. Allele origin: germline.

Genome-Nilou Lab
Classification: Likely benign for Acute febrile neutrophilic dermatosis. Last evaluated: 2023-02-08. Review status: criteria provided, single submitter. Criteria: ACMG Guidelines, 2015. Collection method: clinical testing. Allele origin: germline.

Women's Health and Genetics/Laboratory Corporation of America, LabCorp
Classification: Uncertain significance. Last evaluated: 2021-11-30. Review status: criteria provided, single submitter. Criteria: LabCorp Variant Classification Summary - May 2015. Collection method: clinical testing. Allele origin: germline.
Comment: Variant summary: MEFV c.2150G>T (p.Arg717Leu) results in a non-conservative amino acid change located in the SPRY domain (IPR003877) of the encoded protein sequence. Three of five in-silico tools predict a damaging effect of the variant on protein function. A recent report utilizing the meta predictor tool, REVEL (Rare Exome Variant Ensemble Learner) to assess the pathogenicity of MEFV variants with ambiguous classification proposed a likely pathogenic outcome for this variant (Accetturo_2019). In this study, REVEL scores demonstrated a good correlation with the consensus classification of the International Study Group for Systemic Auto Inflammatory Diseases. The variant allele was found at a frequency of 2.8e-05 in 251492 control chromosomes (gnomAD). The available data on variant occurrences in the general population are insufficient to allow any conclusion about variant significance. These reports do not provide unequivocal conclusions about association of the variant with Familial Mediterranean Fever. Another variant affecting the same amino acid residue (R717H) has been reported in an effected individual (PMID 22281876). To our knowledge, no experimental evidence demonstrating an impact on protein function has been reported. The variant, Arg717Leu, has been reported by the International Study Group for Systemic Autoinflammatory Diseases (INSAID), with an experts' consensus as "VUS" (Van Gijn_2018). Two clinical diagnostic laboratories have submitted clinical-significance assessments for this variant to ClinVar after 2014 without evidence for independent evaluation. All laboratories classified the variant as uncertain significance. Based on the evidence outlined above, the variant was classified as uncertain significance.

Mendelics
Classification: Uncertain significance for Familial Mediterranean fever. Last evaluated: 2019-05-28. Review status: criteria provided, single submitter. Criteria: Mendelics Assertion Criteria 2017. Collection method: clinical testing. Allele origin: unknown.

ARUP Laboratories, Molecular Genetics and Genomics, ARUP Laboratories
Classification: Uncertain significance. Last evaluated: 2019-04-15. Review status: criteria provided, single submitter. Criteria: ARUP Molecular Germline Variant Investigation Process. Collection method: clinical testing. Allele origin: germline.
Comment: The MEFV c.2150G>T; p.Arg717Leu variant (rs545517350) is reported in the medical literature in one individual with a reported periodic fever syndrome (Gattorno 2009). Another variant in the same codon, p.Arg717His, has also been described in an individual with a periodic fever syndrome (Vergara 2012). However, an expert panel has classified the c.2150G>T; p.Arg717Leu variant as a variant of uncertain significance (Van Gijn 2018). The variant is reported in the general population with an allele frequency of 0.003% (7/251492 alleles) in the Genome Aggregation Database. The arginine at this position is moderately conserved and computational algorithms (PolyPhen-2, SIFT) predict this variant is deleterious. Due to limited information, the clinical significance of the variant is uncertain at this time. References: Gattorno M et al. Differentiating PFAPA syndrome from monogenic periodic fevers. Pediatrics. 2009 Oct;124(4):e721-8. Van Gijn ME et al. New workflow for classification of genetic variants' pathogenicity applied to hereditary recurrent fevers by the International Study Group for Systemic Autoinflammatory Diseases (INSAID). J Med Genet. 2018 Aug;55(8):530-537. Vergara C et al. Clinical and genetic features of hereditary periodic fever syndromes in Hispanic patients: the Chilean experience. Clin Rheumatol. 2012 31(5):829-34.

Natera, Inc.
Classification: Uncertain significance for Familial Mediterranean fever. Last evaluated: 2020-03-03. Review status: no assertion criteria provided. Collection method: clinical testing. Allele origin: germline. Not counted in ClinVar's aggregate classification.

Literature cited by the submitters: PubMed 19786432 (cited by Women's Health and Genetics/Laboratory Corporation of America, LabCorp); PubMed 22580583 (cited by Women's Health and Genetics/Laboratory Corporation of America, LabCorp); PubMed 29599418 (cited by Women's Health and Genetics/Laboratory Corporation of America, LabCorp); PubMed 31411330 (cited by Women's Health and Genetics/Laboratory Corporation of America, LabCorp).

NM_000243.3(MEFV):c.2150G>T (p.Arg717Leu)

Genes: MEFV (MEFV innate immunity regulator, pyrin; minus strand), LOC126862264 (CDK7 strongly-dependent group 2 enhancer GRCh37_chr16:3293322-3294521; plus strand). Cytogenetic location: 16p13.3.
Variant type: single nucleotide variant.
Coding change: c.2150G>T on transcript NM_000243.3 (MANE Select); coding-DNA position 2150, G replaced by T.
Protein change: p.Arg717Leu; replaces arginine 717 with leucine.
Molecular consequence: missense variant. On other transcripts: 3 prime UTR variant (1).
Genome position (GRCh38, 1-based): chr16:3,243,337, C>A on the plus strand (G>T on the coding strand, the complement: MEFV is on the minus strand). VCF-style: chr16-3243337-C-A. GRCh37 (hg19) VCF-style: chr16-3293337-C-A.
Other names: c.*354G>T (NM_001198536.2); short protein forms R717L.
Identifiers: ClinVar variation 803177 (VCV000803177.17), dbSNP rs545517350, ClinGen allele CA7859866.